The following is an entry in ClinVar:

NM_024675.4(PALB2):c.2150A>T (p.Asp717Val)

Gene: PALB2 (partner and localizer of BRCA2; minus strand). Cytogenetic location: 16p12.2.
Variant type: single nucleotide variant.
Coding change: c.2150A>T on transcript NM_024675.4 (MANE Select); coding-DNA position 2150, A replaced by T.
Protein change: p.Asp717Val; replaces aspartic acid 717 with valine.
Molecular consequence: missense variant.
Genome position (GRCh38, 1-based): chr16:23,630,004, T>A on the plus strand (A>T on the coding strand, the complement: PALB2 is on the minus strand). VCF-style: chr16-23630004-T-A. GRCh37 (hg19) VCF-style: chr16-23641325-T-A.
Other names: short protein forms D717V.
Identifiers: ClinVar variation 530175 (VCV000530175.12), dbSNP rs1555460469, ClinGen allele CA395125695.

ClinVar aggregate classification (germline): Uncertain significance. Review status: criteria provided, multiple submitters, no conflicts (2 of 4 stars). 2 submissions from 2 submitters: Uncertain significance (2). Last evaluated 2025-01-27.

Conditions:
Familial cancer of breast. Also called: BREAST CANCER, FAMILIAL; Hereditary breast cancer; hereditary breast carcinoma. Identifiers: Orphanet 227535, MedGen C0346153, MONDO:0016419, OMIM 114480. Disease mechanism: loss of function.
Hereditary cancer-predisposing syndrome. Also called: Hereditary neoplastic syndrome; Neoplastic Syndromes, Hereditary; Hereditary Cancer Syndrome; Tumor predisposition. Identifiers: Orphanet 140162, MedGen C0027672, MeSH D009386, MONDO:0015356.

Submissions (2):

Labcorp Genetics (formerly Invitae), Labcorp
Classification: Uncertain significance for Familial cancer of breast. Last evaluated: 2025-01-27. Review status: criteria provided, single submitter. Criteria: Invitae Variant Classification Sherloc (09022015). Collection method: clinical testing. Allele origin: germline.
Comment: This sequence change replaces aspartic acid, which is acidic and polar, with valine, which is neutral and non-polar, at codon 717 of the PALB2 protein (p.Asp717Val). This variant is not present in population databases (gnomAD no frequency). This variant has not been reported in the literature in individuals affected with PALB2-related conditions. ClinVar contains an entry for this variant (Variation ID: 530175). Invitae Evidence Modeling of protein sequence and biophysical properties (such as structural, functional, and spatial information, amino acid conservation, physicochemical variation, residue mobility, and thermodynamic stability) indicates that this missense variant is not expected to disrupt PALB2 protein function with a negative predictive value of 80%. In summary, the available evidence is currently insufficient to determine the role of this variant in disease. Therefore, it has been classified as a Variant of Uncertain Significance.

Ambry Genetics
Classification: Uncertain significance for Hereditary cancer-predisposing syndrome. Last evaluated: 2022-06-24. Review status: criteria provided, single submitter. Criteria: Ambry Variant Classification Scheme 2023. Collection method: clinical testing. Allele origin: germline.
Comment: The p.D717V variant (also known as c.2150A>T), located in coding exon 5 of the PALB2 gene, results from an A to T substitution at nucleotide position 2150. The aspartic acid at codon 717 is replaced by valine, an amino acid with highly dissimilar properties. This amino acid position is conserved. In addition, this alteration is predicted to be tolerated by in silico analysis. Since supporting evidence is limited at this time, the clinical significance of this alteration remains unclear.